The following is an entry in ClinVar:

ClinVar aggregate classification (germline): Uncertain significance. Review status: criteria provided, multiple submitters, no conflicts (2 of 4 stars). 4 submissions from 4 submitters: Uncertain significance (4). Last evaluated 2025-07-10.

Conditions:
Ataxia-telangiectasia-like disorder (ATLD). Identifiers: MedGen C1858391, MONDO:0011457.
Hereditary cancer-predisposing syndrome. Also called: Neoplastic Syndromes, Hereditary; Tumor predisposition; Hereditary Cancer Syndrome; Hereditary neoplastic syndrome. Identifiers: Orphanet 140162, MedGen C0027672, MeSH D009386, MONDO:0015356.
Ataxia-telangiectasia-like disorder 1 (ATLD1). Identifiers: Orphanet 251347, MedGen C4012790, MONDO:0024557, OMIM 604391.

Allele frequency attached by ClinVar (database versions not stated): gnomAD exomes below 0.00001 and 0.00001; ExAC 0.00001; gnomAD 0.00001; TOPMed 0.00001.
gnomAD v4.1: 3 of 1,612,634 alleles (0.00019%); highest among the groups gnomAD compares: Admixed American, 0.005%; no homozygotes.

Submissions (4):

Quest Diagnostics Nichols Institute San Juan Capistrano
Classification: Uncertain significance. Last evaluated: 2025-07-10. Review status: criteria provided, single submitter. Criteria: Quest Diagnostics criteria. Collection method: clinical testing. Allele origin: unknown.

Ambry Genetics
Classification: Uncertain significance for Hereditary cancer-predisposing syndrome. Last evaluated: 2024-10-24. Review status: criteria provided, single submitter. Criteria: Ambry Variant Classification Scheme 2023. Collection method: clinical testing. Allele origin: germline.
Comment: The p.P253L variant (also known as c.758C>T), located in coding exon 7 of the MRE11A gene, results from a C to T substitution at nucleotide position 758. The proline at codon 253 is replaced by leucine, an amino acid with similar properties. This amino acid position is highly conserved in available vertebrate species. In addition, this alteration is predicted to be deleterious by in silico analysis. Since supporting evidence is limited at this time, the clinical significance of this alteration remains unclear.

Labcorp Genetics (formerly Invitae), Labcorp
Classification: Uncertain significance for Ataxia-telangiectasia-like disorder. Last evaluated: 2024-03-19. Review status: criteria provided, single submitter. Criteria: Invitae Variant Classification Sherloc (09022015). Collection method: clinical testing. Allele origin: germline.
Comment: This sequence change replaces proline, which is neutral and non-polar, with leucine, which is neutral and non-polar, at codon 253 of the MRE11 protein (p.Pro253Leu). This variant is present in population databases (rs587782051, gnomAD 0.01%). This variant has not been reported in the literature in individuals affected with MRE11-related conditions. ClinVar contains an entry for this variant (Variation ID: 141842). An algorithm developed to predict the effect of missense changes on protein structure and function (PolyPhen-2) suggests that this variant is likely to be disruptive. In summary, the available evidence is currently insufficient to determine the role of this variant in disease. Therefore, it has been classified as a Variant of Uncertain Significance.

Baylor Genetics
Classification: Uncertain significance for Ataxia-telangiectasia-like disorder 1. Last evaluated: 2023-12-16. Review status: criteria provided, single submitter. Criteria: ACMG Guidelines, 2015. Collection method: clinical testing. Allele origin: unknown.

NM_005591.4(MRE11):c.758C>T (p.Pro253Leu)

Gene: MRE11 (MRE11 double strand break repair nuclease; minus strand). Cytogenetic location: 11q21.
Variant type: single nucleotide variant.
Coding change: c.758C>T on transcript NM_005591.4 (MANE Select); coding-DNA position 758, C replaced by T.
Protein change: p.Pro253Leu; replaces proline 253 with leucine.
Molecular consequence: missense variant.
Genome position (GRCh38, 1-based): chr11:94,471,661, G>A on the plus strand (C>T on the coding strand, the complement: MRE11 is on the minus strand). VCF-style: chr11-94471661-G-A. GRCh37 (hg19) VCF-style: chr11-94204827-G-A.
Other names: c.758C>T, p.Pro253Leu (NM_001330347.2, NM_005590.4); short protein forms P253L.
Identifiers: ClinVar variation 141842 (VCV000141842.15), dbSNP rs587782051, ClinGen allele CA166578.